The following is an entry in ClinVar:

NM_000088.4(COL1A1):c.182G>A (p.Cys61Tyr)

Gene: COL1A1 (collagen type I alpha 1 chain; minus strand). Cytogenetic location: 17q21.33.
Variant type: single nucleotide variant.
Coding change: c.182G>A on transcript NM_000088.4 (MANE Select); coding-DNA position 182, G replaced by A.
Protein change: p.Cys61Tyr; replaces cysteine 61 with tyrosine.
Molecular consequence: missense variant.
Genome position (GRCh38, 1-based): chr17:50,199,869, C>T on the plus strand (G>A on the coding strand, the complement: COL1A1 is on the minus strand). VCF-style: chr17-50199869-C-T. GRCh37 (hg19) VCF-style: chr17-48277230-C-T.
Other names: short protein forms C61Y.
Identifiers: ClinVar variation 4294360 (VCV004294360.1).
Genomic context (GRCh38, chr17:50,199,869, plus strand): 5'-CAGTTCTTGGTCTCGTCACAGATCACGTCATCGCACAACACCTTGCCGTTGTCGCAGACG[C>T]AGATCCGGCAGGGCTCGGGTTTCCACACGTCTCGGTCATGGTACCTGAGGCCGTTCTGTA-3'
Protein context (NP_000079.2, residues 51-71): DVWKPEPCRI[Cys61Tyr]VCDNGKVLCD

ClinVar aggregate classification (germline): Pathogenic (1 of 4 stars; one submission).

Conditions:
Osteogenesis imperfecta type I (OI1). Also called: Osteogenesis imperfecta type 1; Classic Non-deforming Osteogenesis Imperfecta with Blue Sclerae; OI, TYPE I; OSTEOGENESIS IMPERFECTA TARDA; OSTEOGENESIS IMPERFECTA WITH BLUE SCLERAE; Lobstein's Disease. Identifiers: Orphanet 216796, Orphanet 666, MedGen C0023931, MONDO:0008146, OMIM 166200. Disease mechanism: loss of function.

Submission:

Laboratoire Génétique Moléculaire, CHRU TOURS
Classification: Pathogenic for Osteogenesis imperfecta type I. Last evaluated: 2023-06-06. Review status: criteria provided, single submitter. Criteria: ACMG Guidelines, 2015. Collection method: clinical testing. Allele origin: de novo. Affected: yes.
Comment: PS2;PM2;PM5;PP3;PP4